The following is an entry in ClinVar:

NM_007118.4(TRIO):c.9173C>T (p.Thr3058Met)

Gene: TRIO (trio Rho guanine nucleotide exchange factor; plus strand). Cytogenetic location: 5p15.2.
Variant type: single nucleotide variant.
Coding change: c.9173C>T on transcript NM_007118.4 (MANE Select); coding-DNA position 9173, C replaced by T.
Protein change: p.Thr3058Met; replaces threonine 3058 with methionine.
Molecular consequence: missense variant. On other transcripts: non-coding transcript variant (1).
Genome position (GRCh38, 1-based): chr5:14,508,301, C>T. VCF-style: chr5-14508301-C-T. GRCh37 (hg19) VCF-style: chr5-14508410-C-T.
Other names: short protein forms T3058M.
Identifiers: ClinVar variation 1216994 (VCV001216994.26), dbSNP rs201718893, ClinGen allele CA3208060.
Genomic context (GRCh38, chr5:14,508,301, plus strand): 5'-GTCCCTCGGCTGCGCTGGCCCTCCAGGAGCAGTGGCTGCAGGCCGGCAACGGCAGAAGCA[C>T]GGGCGTCCTCGACACGTCCAGACTGACTTCCTTCATTGAGCGGCGCAAACACCAGAATGA-3'
Protein context (NP_009049.2, residues 3048-3068): QWLQAGNGRS[Thr3058Met]GVLDTSRLTS

ClinVar aggregate classification (germline): Conflicting classifications of pathogenicity. Review status: criteria provided, conflicting classifications (1 of 4 stars). 4 submissions from 4 submitters: Uncertain significance (1); Likely benign (3). Last evaluated 2026-09-01.

Conditions:
Inborn genetic diseases. Identifiers: MedGen C0950123, MeSH D030342.

Allele frequency attached by ClinVar (database versions not stated): TOPMed 0.00006; ESP Exome Variant Server 0.00008; gnomAD exomes 0.00008 and 0.00012; ExAC 0.00009; gnomAD 0.00009; 1000 Genomes Project 30x 0.00031; 1000 Genomes Project 0.00040.
gnomAD v4.1: 182 of 1,613,926 alleles (0.011%); highest among the groups gnomAD compares: Middle Eastern, 0.033%; no homozygotes.

Submissions (4):

CeGaT Center for Human Genetics Tuebingen
Classification: Likely benign. Last evaluated: 2026-09-01. Review status: criteria provided, single submitter. Criteria: CeGaT Center For Human Genetics Tuebingen Variant Classification Criteria Version 2. Collection method: clinical testing. Allele origin: germline. Affected: yes. Observed: 2 variant alleles.
Comment: TRIO: BP4

Women's Health and Genetics/Laboratory Corporation of America, LabCorp
Classification: Uncertain significance. Last evaluated: 2025-11-25. Review status: criteria provided, single submitter. Criteria: LabCorp Variant Classification Summary - May 2015. Collection method: clinical testing. Allele origin: germline.
Comment: Variant summary: TRIO c.9173C>T (p.Thr3058Met) results in a non-conservative amino acid change in the encoded protein sequence. Algorithms developed to predict the effect of missense changes on protein structure and function are either unavailable or do not agree on the potential impact of this missense change. The variant allele was found at a frequency of 8.4e-05 in 251046 control chromosomes. This frequency is not significantly higher than estimated for disease-causing variants in TRIO, allowing no conclusion about variant significance. To our knowledge, no occurrence of c.9173C>T in individuals affected with TRIO-related conditions and no experimental evidence demonstrating its impact on protein function have been reported. ClinVar contains an entry for this variant (Variation ID: 1216994). Based on the evidence outlined above, the variant was classified as uncertain significance.

Ambry Genetics
Classification: Likely benign for Inborn genetic diseases. Last evaluated: 2025-09-26. Review status: criteria provided, single submitter. Criteria: Ambry Variant Classification Scheme 2023. Collection method: clinical testing. Allele origin: germline.

GeneDx
Classification: Likely benign. Last evaluated: 2020-05-22. Review status: criteria provided, single submitter. Criteria: GeneDx Variant Classification Process June 2021. Collection method: clinical testing. Allele origin: germline. Affected: yes.
Comment: Has not been previously published as pathogenic or benign to our knowledge